The following is an entry in ClinVar:

ClinVar aggregate classification (germline): Uncertain significance (1 of 4 stars; one submission).

Allele frequency attached by ClinVar (database versions not stated): ExAC 0.00003; gnomAD 0.00005.
gnomAD v4.1: 58 of 1,614,004 alleles (0.0036%); highest among the groups gnomAD compares: East Asian, 0.013%; no homozygotes.

Submission:

Labcorp Genetics (formerly Invitae), Labcorp
Classification: Uncertain significance. Last evaluated: 2023-05-23. Review status: criteria provided, single submitter. Criteria: Invitae Variant Classification Sherloc (09022015). Collection method: clinical testing. Allele origin: germline.
Comment: In summary, the available evidence is currently insufficient to determine the role of this variant in disease. Therefore, it has been classified as a Variant of Uncertain Significance. An algorithm developed to predict the effect of missense changes on protein structure and function (PolyPhen-2) suggests that this variant is likely to be disruptive. ClinVar contains an entry for this variant (Variation ID: 2192113). This variant has not been reported in the literature in individuals affected with ADAMTS17-related conditions. This variant is present in population databases (rs201492720, gnomAD 0.007%). This sequence change replaces glycine, which is neutral and non-polar, with serine, which is neutral and polar, at codon 678 of the ADAMTS17 protein (p.Gly678Ser).

NM_139057.4(ADAMTS17):c.2032G>A (p.Gly678Ser)

Gene: ADAMTS17 (ADAM metallopeptidase with thrombospondin type 1 motif 17; minus strand). Cytogenetic location: 15q26.3.
Variant type: single nucleotide variant.
Coding change: c.2032G>A on transcript NM_139057.4 (MANE Select); coding-DNA position 2032, G replaced by A.
Protein change: p.Gly678Ser; replaces glycine 678 with serine.
Molecular consequence: missense variant.
Genome position (GRCh38, 1-based): chr15:100,096,461, C>T on the plus strand (G>A on the coding strand, the complement: ADAMTS17 is on the minus strand). VCF-style: chr15-100096461-C-T. GRCh37 (hg19) VCF-style: chr15-100636666-C-T.
Other names: short protein forms G678S.
Identifiers: ClinVar variation 2192113 (VCV002192113.3), dbSNP rs201492720, ClinGen allele CA7757916.
Genomic context (GRCh38, chr15:100,096,461, plus strand): 5'-TCTTGCCGTCCCCGCTGCAGACCCCGCATCTGTCCTCTTTGGCTGCAGACCCGATGATGC[C>T]GTCACAGCCGATTTTCTAAAGAACCAGAGGGCCTCATTATTCTGTGGTTAAGACTCAGAG-3'
Protein context (NP_620688.2, residues 668-688): HGKCQKIGCD[Gly678Ser]IIGSAAKEDR